The following is an entry in ClinVar:

ClinVar aggregate classification (germline): Uncertain significance (1 of 4 stars; one submission).

Submission:

GeneDx
Classification: Uncertain significance. Last evaluated: 2024-07-14. Review status: criteria provided, single submitter. Criteria: GeneDx Variant Classification Process June 2021. Collection method: clinical testing. Allele origin: germline. Affected: yes.
Comment: Not observed at significant frequency in large population cohorts (gnomAD); In silico analysis indicates that this missense variant does not alter protein structure/function; Has not been previously published as pathogenic or benign to our knowledge

NM_006565.4(CTCF):c.155A>C (p.Gln52Pro)

Gene: CTCF (CCCTC-binding factor; plus strand). Cytogenetic location: 16q22.1.
Variant type: single nucleotide variant.
Coding change: c.155A>C on transcript NM_006565.4 (MANE Select); coding-DNA position 155, A replaced by C.
Protein change: p.Gln52Pro; replaces glutamine 52 with proline.
Molecular consequence: missense variant. On other transcripts: intron variant (1).
Genome position (GRCh38, 1-based): chr16:67,610,987, A>C. VCF-style: chr16-67610987-A-C. GRCh37 (hg19) VCF-style: chr16-67644890-A-C.
Other names: c.155A>C, p.Gln52Pro (NM_001363916.2); c.-32-5758A>C (NM_001191022.2); short protein forms Q52P.
Identifiers: ClinVar variation 3573767 (VCV003573767.1).